The following is an entry in ClinVar:

NM_001367868.2(PLIN4):c.1404T>C (p.Thr468=)

Gene: PLIN4 (perilipin 4; minus strand). Cytogenetic location: 19p13.3.
Variant type: single nucleotide variant.
Coding change: c.1404T>C on transcript NM_001367868.2 (MANE Select); coding-DNA position 1404, T replaced by C.
Protein change: p.Thr468=; no amino-acid change (threonine 468 retained).
Molecular consequence: synonymous variant.
Genome position (GRCh38, 1-based): chr19:4,512,556, A>G on the plus strand (T>C on the coding strand, the complement: PLIN4 is on the minus strand). VCF-style: chr19-4512556-A-G. GRCh37 (hg19) VCF-style: chr19-4512568-A-G.
Other names: c.1407T>C, p.Thr469= (NM_001393888.1, NM_001393889.1); c.1404T>C, p.Thr468= (NM_001393890.1, NM_001393891.1).
Identifiers: ClinVar variation 2649052 (VCV002649052.24), dbSNP rs530902198, ClinGen allele CA9100710.

ClinVar aggregate classification (germline): Likely benign (1 of 4 stars; one submission).

Allele frequency attached by ClinVar (database versions not stated): gnomAD exomes 0.00028; gnomAD 0.00094; 1000 Genomes Project 0.00180.
gnomAD v4.1: 551 of 1,603,966 alleles (0.034%); highest among the groups gnomAD compares: Admixed American, 0.3%; 1 homozygote.

Submission:

CeGaT Center for Human Genetics Tuebingen
Classification: Likely benign. Last evaluated: 2026-03-01. Review status: criteria provided, single submitter. Criteria: CeGaT Center For Human Genetics Tuebingen Variant Classification Criteria Version 2. Collection method: clinical testing. Allele origin: germline. Affected: yes. Observed: 3 variant alleles.
Comment: PLIN4: BP4, BP7, BS1